The following is an entry in ClinVar:

NM_001170535.3(ATAD3A):c.1090-71G>A

Gene: ATAD3A (ATPase family AAA domain containing 3A; plus strand). Cytogenetic location: 1p36.33.
Variant type: single nucleotide variant.
Coding change: c.1090-71G>A on transcript NM_001170535.3 (MANE Select); 71 bases into the intron before coding-DNA position 1090, G replaced by A.
Molecular consequence: intron variant.
Genome position (GRCh38, 1-based): chr1:1,524,202, G>A. VCF-style: chr1-1524202-G-A. GRCh37 (hg19) VCF-style: chr1-1459582-G-A.
Other names: NC_000001.10:g.1459582G>A; c.1234-71G>A (NM_018188.5); c.853-71G>A (NM_001170536.3).
Identifiers: ClinVar variation 2688245 (VCV002688245.3), dbSNP rs7522558, ClinGen allele CA16788528.

ClinVar aggregate classification (germline): Benign (1 of 4 stars; one submission).

Allele frequency attached by ClinVar (database versions not stated): gnomAD 0.22901; 1000 Genomes Project 0.34625; 1000 Genomes Project 30x 0.34884.
gnomAD v4.1: 147,640 of 1,561,332 alleles (9.5%); highest among the groups gnomAD compares: African/African-American, 60%; 20,044 homozygotes.

Submissions (8):

Unidad de Genómica Garrahan, Hospital de Pediatría Garrahan
Classification: Benign. Last evaluated: 2024-01-24. Review status: criteria provided, single submitter. Criteria: ACMG Guidelines, 2015. Collection method: clinical testing. Allele origin: germline. Affected: no. Observed: 29 variant alleles.
Comment: This variant is classified as Benign based on local population frequency. This variant was detected in 31% of patients studied by a panel of primary immunodeficiencies. Number of patients: 29. Only high quality variants are reported.

Dr. Peter K. Rogan Lab, Western University
No classification provided (evidence only). Condition: Uterine corpus endometrial carcinoma. Review status: no classification provided. Collection method: in vitro. Allele origin: not applicable. Functional consequence: retained intron. Not counted in ClinVar's aggregate classification.

Dr. Peter K. Rogan Lab, Western University
No classification provided (evidence only). Condition: Malignant lymphoma, large B-cell, diffuse. Review status: no classification provided. Collection method: in vitro. Allele origin: not applicable. Functional consequence: retained intron. Not counted in ClinVar's aggregate classification.

Dr. Peter K. Rogan Lab, Western University
No classification provided (evidence only). Condition: Hepatocellular carcinoma. Review status: no classification provided. Collection method: in vitro. Allele origin: not applicable. Functional consequence: retained intron. Not counted in ClinVar's aggregate classification.

Dr. Peter K. Rogan Lab, Western University
No classification provided (evidence only). Condition: Thymoma. Review status: no classification provided. Collection method: in vitro. Allele origin: not applicable. Functional consequence: skipped exon. Not counted in ClinVar's aggregate classification.

Dr. Peter K. Rogan Lab, Western University
No classification provided (evidence only). Condition: Cholangiocarcinoma. Review status: no classification provided. Collection method: in vitro. Allele origin: not applicable. Functional consequence: retained intron. Not counted in ClinVar's aggregate classification.

Dr. Peter K. Rogan Lab, Western University
No classification provided (evidence only). Condition: Uveal melanoma. Review status: no classification provided. Collection method: in vitro. Allele origin: not applicable. Functional consequence: retained intron. Not counted in ClinVar's aggregate classification.

Dr. Peter K. Rogan Lab, Western University
No classification provided (evidence only). Condition: Uveal melanoma. Review status: no classification provided. Collection method: in vitro. Allele origin: not applicable. Functional consequence: retained intron. Not counted in ClinVar's aggregate classification.